The following is an entry in ClinVar:

ClinVar aggregate classification (germline): Uncertain significance (1 of 4 stars; one submission).

Submission:

Labcorp Genetics (formerly Invitae), Labcorp
Classification: Uncertain significance. Last evaluated: 2022-10-07. Review status: criteria provided, single submitter. Criteria: Invitae Variant Classification Sherloc (09022015). Collection method: clinical testing. Allele origin: germline.
Comment: In summary, the available evidence is currently insufficient to determine the role of this variant in disease. Therefore, it has been classified as a Variant of Uncertain Significance. This variant has not been reported in the literature in individuals affected with HK1-related conditions. A copy number gain of the genomic region encompassing the full coding sequence of the HK1 gene has been identified. The boundaries of this event are unknown as they extend beyond the assayed region for this gene and therefore may encompass additional genes. As the precise location of this event is unknown, it may be in tandem or it may be located elsewhere in the genome.

NC_000010.10:g.(?_71038467)_(71160891_?)dup

Gene: HK1 (hexokinase 1; plus strand). Cytogenetic location: 10q22.1.
Variant type: Duplication.
Identifiers: ClinVar variation 2422553 (VCV002422553.4).